The following is an entry in ClinVar:

NM_001540.5(HSPB1):c.545C>A (p.Pro182Gln)

Gene: HSPB1 (heat shock protein family B (small) member 1; plus strand). Cytogenetic location: 7q11.23.
Variant type: single nucleotide variant.
Coding change: c.545C>A on transcript NM_001540.5 (MANE Select); coding-DNA position 545, C replaced by A.
Protein change: p.Pro182Gln; replaces proline 182 with glutamine.
Molecular consequence: missense variant.
Genome position (GRCh38, 1-based): chr7:76,304,100, C>A. VCF-style: chr7-76304100-C-A. GRCh37 (hg19) VCF-style: chr7-75933417-C-A.
Other names: short protein forms P182Q.
Identifiers: ClinVar variation 3899059 (VCV003899059.2).

ClinVar aggregate classification (germline): Uncertain significance. Review status: criteria provided, multiple submitters, no conflicts (2 of 4 stars). 2 submissions from 2 submitters: Uncertain significance (2). Last evaluated 2024-11-11.

Submissions (2):

GeneDx
Classification: Uncertain significance. Last evaluated: 2024-11-11. Review status: criteria provided, single submitter. Criteria: GeneDx Variant Classification Process June 2021. Collection method: clinical testing. Allele origin: germline. Affected: yes.
Comment: Not observed at significant frequency in large population cohorts (gnomAD); In silico analysis supports that this missense variant has a deleterious effect on protein structure/function; Has not been previously published as pathogenic or benign to our knowledge

Blueprint Genetics
Classification: Uncertain significance. Last evaluated: 2020-01-27. Review status: criteria provided, single submitter. Criteria: ACMG Guidelines, 2015. Collection method: clinical testing. Allele origin: germline.